The following is an entry in ClinVar:

NM_001195263.2(PDZD7):c.1805A>G (p.Asp602Gly)

Gene: PDZD7 (PDZ domain containing 7; minus strand). Cytogenetic location: 10q24.31.
Variant type: single nucleotide variant.
Coding change: c.1805A>G on transcript NM_001195263.2 (MANE Select); coding-DNA position 1805, A replaced by G.
Protein change: p.Asp602Gly; replaces aspartic acid 602 with glycine.
Molecular consequence: missense variant.
Genome position (GRCh38, 1-based): chr10:101,012,203, T>C on the plus strand (A>G on the coding strand, the complement: PDZD7 is on the minus strand). VCF-style: chr10-101012203-T-C. GRCh37 (hg19) VCF-style: chr10-102771960-T-C.
Other names: short protein forms D602G.
Identifiers: ClinVar variation 3627867 (VCV003627867.2).

ClinVar aggregate classification (germline): Uncertain significance (1 of 4 stars; one submission).

gnomAD v4.1: 2 of 1,550,466 alleles (0.00013%); highest among the groups gnomAD compares: East Asian, 0.0049%; no homozygotes.

Submission:

Labcorp Genetics (formerly Invitae), Labcorp
Classification: Uncertain significance. Last evaluated: 2024-08-05. Review status: criteria provided, single submitter. Criteria: Invitae Variant Classification Sherloc (09022015). Collection method: clinical testing. Allele origin: germline.
Comment: This sequence change replaces aspartic acid, which is acidic and polar, with glycine, which is neutral and non-polar, at codon 602 of the PDZD7 protein (p.Asp602Gly). This variant is not present in population databases (gnomAD no frequency). This missense change has been observed in individual(s) with deafness (Invitae). In at least one individual the data is consistent with being in trans (on the opposite chromosome) from a pathogenic variant. Advanced modeling of protein sequence and biophysical properties (such as structural, functional, and spatial information, amino acid conservation, physicochemical variation, residue mobility, and thermodynamic stability) performed at Invitae indicates that this missense variant is not expected to disrupt PDZD7 protein function with a negative predictive value of 80%. In summary, the available evidence is currently insufficient to determine the role of this variant in disease. Therefore, it has been classified as a Variant of Uncertain Significance.